The following is an entry in ClinVar:

ClinVar aggregate classification (germline): Likely benign (0 of 4 stars; one submission).

Conditions:
ABCG5-related disorder. Also called: ABCG5-related condition.

Submission:

PreventionGenetics, part of Exact Sciences
Classification: Likely benign for ABCG5-related condition. Last evaluated: 2024-08-08. Review status: no assertion criteria provided. Collection method: clinical testing. Allele origin: germline.
Comment: This variant is classified as likely benign based on ACMG/AMP sequence variant interpretation guidelines (Richards et al. 2015 PMID: 25741868, with internal and published modifications).

NM_022436.3(ABCG5):c.1118+7G>T

Genes: ABCG5 (ATP binding cassette subfamily G member 5; minus strand), DYNC2LI1 (dynein cytoplasmic 2 light intermediate chain 1; plus strand). Cytogenetic location: 2p21.
Variant type: single nucleotide variant.
Coding change: c.1118+7G>T on transcript NM_022436.3 (MANE Select); 7 bases into the intron after coding-DNA position 1118, G replaced by T.
Molecular consequence: intron variant.
Genome position (GRCh38, 1-based): chr2:43,824,212, C>A on the plus strand (G>T on the coding strand, the complement: ABCG5 is on the minus strand). VCF-style: chr2-43824212-C-A. GRCh37 (hg19) VCF-style: chr2-44051351-C-A.
Other names: c.*16-3174C>A (NM_001348913.2, NM_001348912.2).
Identifiers: ClinVar variation 3345556 (VCV003345556.1).